The following is an entry in ClinVar:

NM_000055.4(BCHE):c.327G>A (p.Met109Ile)

Gene: BCHE (butyrylcholinesterase; minus strand). Cytogenetic location: 3q26.1.
Variant type: single nucleotide variant.
Coding change: c.327G>A on transcript NM_000055.4 (MANE Select); coding-DNA position 327, G replaced by A.
Protein change: p.Met109Ile; replaces methionine 109 with isoleucine.
Molecular consequence: missense variant. On other transcripts: non-coding transcript variant (1).
Genome position (GRCh38, 1-based): chr3:165,830,707, C>T on the plus strand (G>A on the coding strand, the complement: BCHE is on the minus strand). VCF-style: chr3-165830707-C-T. GRCh37 (hg19) VCF-style: chr3-165548495-C-T.
Other names: c.327G>A (NM_000055.2); short protein forms M109I.
Identifiers: ClinVar variation 2635678 (VCV002635678.2), dbSNP rs149045543, ClinGen allele CA2692532.

ClinVar aggregate classification (germline): Uncertain significance. Review status: criteria provided, multiple submitters, no conflicts (2 of 4 stars). 2 submissions from 2 submitters: Uncertain significance (2). Last evaluated 2025-05-20.

Conditions:
Inborn genetic diseases. Identifiers: MedGen C0950123, MeSH D030342.
BCHE-related disorder. Also called: BCHE-related condition.

Allele frequency attached by ClinVar (database versions not stated): gnomAD exomes 0.00002; ExAC 0.00003; gnomAD 0.00003; TOPMed 0.00004; ESP Exome Variant Server 0.00008.

Submissions (2):

Ambry Genetics
Classification: Uncertain significance for Inborn genetic diseases. Last evaluated: 2025-05-20. Review status: criteria provided, single submitter. Criteria: Ambry Variant Classification Scheme 2023. Collection method: clinical testing. Allele origin: germline.

PreventionGenetics, part of Exact Sciences
Classification: Uncertain significance for BCHE-related condition. Last evaluated: 2023-07-11. Review status: criteria provided, single submitter. Criteria: ACMG Guidelines, 2015. Collection method: clinical testing. Allele origin: germline.
Comment: The BCHE c.327G>A variant is predicted to result in the amino acid substitution p.Met109Ile. This variant, also reported as p.Met81Ile using legacy nomenclature, was previously reported in a cohort of individuals undergoing testing for either suspected butyrylcholinesterase deficiency or a family history of the disorder (Mabboux et al. 2014. PubMed ID: 25336127). This variant is reported in 0.018% of alleles in individuals of African descent in gnomAD. At this time, the clinical significance of this variant is uncertain due to the absence of conclusive functional and genetic evidence.